The following is an entry in ClinVar:

NM_181703.4(GJA5):c.790C>A (p.Pro264Thr)

Genes: GJA5 (gap junction protein alpha 5; minus strand), LOC122128420 (Sharpr-MPRA regulatory region 3144; plus strand). Cytogenetic location: 1q21.2.
Variant type: single nucleotide variant.
Coding change: c.790C>A on transcript NM_181703.4 (MANE Select); coding-DNA position 790, C replaced by A.
Protein change: p.Pro264Thr; replaces proline 264 with threonine.
Molecular consequence: missense variant.
Genome position (GRCh38, 1-based): chr1:147,758,449, G>T on the plus strand (C>A on the coding strand, the complement: GJA5 is on the minus strand). VCF-style: chr1-147758449-G-T. GRCh37 (hg19) VCF-style: chr1-147230557-G-T.
Other names: c.790C>A, p.Pro264Thr (NM_005266.7); c.790C>A (NM_005266.5); short protein forms P264T.
Identifiers: ClinVar variation 971270 (VCV000971270.9), dbSNP rs200371777, ClinGen allele CA30068538.
Genomic context (GRCh38, chr1:147,758,449, plus strand): 5'-TGAAGGGATTGAAGAATTTTCCCCCAGGGCCATTCTCCAGGCACTGATTAAAGTCGGGGG[G>T]TGGTGTGCAGCTCTGGACTATGCCCACAGAGGGGCCAGAAAGCTGGCACTTAGCCATGTG-3'
Protein context (NP_859054.1, residues 254-274): SVGIVQSCTP[Pro264Thr]PDFNQCLENG

ClinVar aggregate classification (germline): Uncertain significance. Review status: criteria provided, multiple submitters, no conflicts (2 of 4 stars). 2 submissions from 2 submitters: Uncertain significance (2). Last evaluated 2025-10-29.

Conditions:
Atrial fibrillation, familial, 11 (ATFB11). Identifiers: MedGen C3279693, MONDO:0013544, OMIM 614049.
Atrial standstill 1 (ATRST1). Also called: ATRIAL CARDIOMYOPATHY WITH HEART BLOCK; CARDIOMYOPATHY, FAMILIAL, WITH CONDUCTION DISTURBANCE; Atrial standstill, digenic (GJA5/SCN5A). Identifiers: Orphanet 1344, MedGen C4551959, MONDO:0007171, OMIM 108770.
Inborn genetic diseases. Identifiers: MedGen C0950123, MeSH D030342.

Allele frequency attached by ClinVar (database versions not stated): TOPMed below 0.00001; gnomAD exomes 0.00001.
gnomAD v4.1: 3 of 1,614,060 alleles (0.00019%); highest among the groups gnomAD compares: South Asian, 0.0011%; no homozygotes.

Submissions (2):

Ambry Genetics
Classification: Uncertain significance for Inborn genetic diseases. Last evaluated: 2025-10-29. Review status: criteria provided, single submitter. Criteria: Ambry Variant Classification Scheme 2023. Collection method: clinical testing. Allele origin: germline.

Labcorp Genetics (formerly Invitae), Labcorp
Classification: Uncertain significance for Atrial fibrillation, familial, 11; Atrial standstill 1. Last evaluated: 2019-10-03. Review status: criteria provided, single submitter. Criteria: Invitae Variant Classification Sherloc (09022015). Collection method: clinical testing. Allele origin: germline.
Comment: This sequence change replaces proline with threonine at codon 264 of the GJA5 protein (p.Pro264Thr). The proline residue is highly conserved and there is a small physicochemical difference between proline and threonine. This variant is not present in population databases (ExAC no frequency). This variant has not been reported in the literature in individuals with GJA5-related conditions. Algorithms developed to predict the effect of missense changes on protein structure and function are either unavailable or do not agree on the potential impact of this missense change (SIFT: "Deleterious"; PolyPhen-2: "Benign"; Align-GVGD: "Class C0"). In summary, the available evidence is currently insufficient to determine the role of this variant in disease. Therefore, it has been classified as a Variant of Uncertain Significance.